The following is an entry in ClinVar:

ClinVar aggregate classification (germline): Conflicting classifications of pathogenicity. Review status: criteria provided, conflicting classifications (1 of 4 stars). 6 submissions from 6 submitters: Uncertain significance (1); Likely benign (3). 2 of the submissions do not count toward it. Last evaluated 2026-01-15.

Conditions:
Leber congenital amaurosis 4 (LCA4). Identifiers: MedGen C1858386, MONDO:0011458, OMIM 604393.

Allele frequency attached by ClinVar (database versions not stated): 1000 Genomes Project 30x 0.00016; 1000 Genomes Project 0.00020; ESP Exome Variant Server 0.00031; gnomAD 0.00033 and 0.00045; gnomAD exomes 0.00035 and 0.00055; ExAC 0.00038; TOPMed 0.00046.

Submissions (6):

Labcorp Genetics (formerly Invitae), Labcorp
Classification: Likely benign for Leber congenital amaurosis 4. Last evaluated: 2026-01-15. Review status: criteria provided, single submitter. Criteria: Invitae Variant Classification Sherloc (09022015). Collection method: clinical testing. Allele origin: germline.

Blueprint Genetics
Classification: Likely benign. Last evaluated: 2024-11-25. Review status: criteria provided, single submitter. Criteria: ACMG Guidelines, 2015. Collection method: clinical testing. Allele origin: germline.

CeGaT Center for Human Genetics Tuebingen
Classification: Likely benign. Last evaluated: 2023-02-01. Review status: criteria provided, single submitter. Criteria: CeGaT Center For Human Genetics Tuebingen Variant Classification Criteria Version 2. Collection method: clinical testing. Allele origin: germline. Affected: yes. Observed: 1 variant allele.
Comment: AIPL1: BP4, BP7

GeneDx
Classification: Uncertain significance. Last evaluated: 2020-06-05. Review status: criteria provided, single submitter. Criteria: GeneDx Variant Classification Process June 2021. Collection method: clinical testing. Allele origin: germline. Affected: yes.
Comment: In silico analysis supports that this variant does not alter splicing; Has not been previously published as pathogenic or benign to our knowledge

Clinical Genetics DNA and cytogenetics Diagnostics Lab, Erasmus MC, Erasmus Medical Center
Classification: Likely benign. Review status: no assertion criteria provided. Collection method: clinical testing. Allele origin: germline. Affected: yes. Study: VKGL Data-share Consensus. Not counted in ClinVar's aggregate classification.

Clinical Genetics, Academic Medical Center
Classification: Benign. Review status: no assertion criteria provided. Collection method: clinical testing. Allele origin: germline. Affected: yes. Study: VKGL Data-share Consensus. Not counted in ClinVar's aggregate classification.

NM_014336.5(AIPL1):c.627G>A (p.Arg209=)

Gene: AIPL1 (AIP like 1 HSP90 co-chaperone; minus strand). Cytogenetic location: 17p13.2.
Variant type: single nucleotide variant.
Coding change: c.627G>A on transcript NM_014336.5 (MANE Select); coding-DNA position 627, G replaced by A.
Protein change: p.Arg209=; no amino-acid change (arginine 209 retained).
Molecular consequence: synonymous variant.
Genome position (GRCh38, 1-based): chr17:6,426,896, C>T on the plus strand (G>A on the coding strand, the complement: AIPL1 is on the minus strand). VCF-style: chr17-6426896-C-T. GRCh37 (hg19) VCF-style: chr17-6330216-C-T.
Other names: c.438G>A, p.Arg146= (NM_001033054.3); c.447G>A, p.Arg149= (NM_001033055.3); c.591G>A, p.Arg197= (NM_001285399.3); c.561G>A, p.Arg187= (NM_001285400.3); c.627G>A, p.Arg209= (NM_001285401.3); c.510G>A, p.Arg170= (NM_001285402.2); c.603G>A, p.Arg201= (NM_001285403.4).
Identifiers: ClinVar variation 707037 (VCV000707037.40), dbSNP rs142319505, ClinGen allele CA8328456.